The following is an entry in ClinVar:

NM_006302.3(MOGS):c.886C>T (p.Arg296Cys)

Gene: MOGS (mannosyl-oligosaccharide glucosidase; minus strand). Cytogenetic location: 2p13.1.
Variant type: single nucleotide variant.
Coding change: c.886C>T on transcript NM_006302.3 (MANE Select); coding-DNA position 886, C replaced by T.
Protein change: p.Arg296Cys; replaces arginine 296 with cysteine.
Molecular consequence: missense variant.
Genome position (GRCh38, 1-based): chr2:74,462,903, G>A on the plus strand (C>T on the coding strand, the complement: MOGS is on the minus strand). VCF-style: chr2-74462903-G-A. GRCh37 (hg19) VCF-style: chr2-74690030-G-A.
Other names: c.568C>T, p.Arg190Cys (NM_001146158.2); short protein forms R296C, R190C.
Identifiers: ClinVar variation 864292 (VCV000864292.7), dbSNP rs752641712, ClinGen allele CA1724889.
Genomic context (GRCh38, chr2:74,462,903, plus strand): 5'-GCCCTTGCCCACTTGGACCTCTGTCCTCCCACTTCAGGGATCCTGGCAAGCCGAGGTAGC[G>A]TTCAGGGGGGGCCCCTGGGGGCCGATGCTGAAACCAGCTATTTAGGCGACTCTTTACCAT-3'
Protein context (NP_006293.2, residues 286-306): QHRPPGAPPE[Arg296Cys]YLGLPGSLKW

ClinVar aggregate classification (germline): Uncertain significance (1 of 4 stars; one submission).

Conditions:
MOGS-congenital disorder of glycosylation. Also called: GLUCOSIDASE I DEFICIENCY; MOGS-CDG; CDG IIb; CDG 2B. Identifiers: Orphanet 79330, MedGen C1853736, MONDO:0011629, OMIM 606056.

Allele frequency attached by ClinVar (database versions not stated): gnomAD 0.00001; gnomAD exomes 0.00001; TOPMed 0.00001; ExAC 0.00002.
gnomAD v4.1: 16 of 1,614,046 alleles (0.00099%); highest among the groups gnomAD compares: South Asian, 0.0044%; no homozygotes.

Submission:

Labcorp Genetics (formerly Invitae), Labcorp
Classification: Uncertain significance for MOGS-congenital disorder of glycosylation. Last evaluated: 2021-09-01. Review status: criteria provided, single submitter. Criteria: Invitae Variant Classification Sherloc (09022015). Collection method: clinical testing. Allele origin: germline.
Comment: This sequence change replaces arginine with cysteine at codon 296 of the MOGS protein (p.Arg296Cys). The arginine residue is moderately conserved and there is a large physicochemical difference between arginine and cysteine. This variant is present in population databases (rs752641712, ExAC 0.01%). This variant has not been reported in the literature in individuals affected with MOGS-related conditions. Algorithms developed to predict the effect of missense changes on protein structure and function are either unavailable or do not agree on the potential impact of this missense change (SIFT: "Deleterious"; PolyPhen-2: "Probably Damaging"; Align-GVGD: "Class C15"). In summary, the available evidence is currently insufficient to determine the role of this variant in disease. Therefore, it has been classified as a Variant of Uncertain Significance.